The following is an entry in ClinVar:

NM_001042492.3(NF1):c.1327_1330del (p.Phe443fs)

Gene: NF1 (neurofibromin 1; plus strand). Cytogenetic location: 17q11.2.
Variant type: Deletion.
Coding change: c.1327_1330del on transcript NM_001042492.3 (MANE Select); coding-DNA positions 1327 to 1330, 4 bases deleted (TTTG; older notation c.1327_1330delTTTG).
Protein change: p.Phe443fs; shifts the reading frame from phenylalanine 443.
Molecular consequence: frameshift variant.
Genome position (GRCh38, 1-based): chr17:31,206,306-31,206,309, TTTG deleted; deleting any 4 consecutive bases within chr17:31,206,304-31,206,309 gives the same sequence; the c. name uses the placement nearest the transcript's 3' end. VCF-style (leftmost placement, unchanged base first): chr17-31206303-ATGTT-A. GRCh37 (hg19) VCF-style: chr17-29533321-ATGTT-A.
Other names: c.1327_1330delTTTG, p.Phe443Valfs (NM_000267.4); c.1327_1330del, p.Phe443fs (NM_001128147.3); c.1327_1330delTTTG (NM_000267.3); short protein forms F443fs.
Identifiers: ClinVar variation 3404797 (VCV003404797.1).

ClinVar aggregate classification (germline): Pathogenic (1 of 4 stars; one submission).

Conditions:
Hereditary cancer-predisposing syndrome. Also called: Hereditary Cancer Syndrome; Tumor predisposition; Hereditary neoplastic syndrome; Neoplastic Syndromes, Hereditary. Identifiers: Orphanet 140162, MedGen C0027672, MeSH D009386, MONDO:0015356.
Cardiovascular phenotype. Identifiers: MedGen CN230736.

Submission:

Ambry Genetics
Classification: Pathogenic for Cardiovascular phenotype; Hereditary cancer-predisposing syndrome. Last evaluated: 2024-10-29. Review status: criteria provided, single submitter. Criteria: Ambry Variant Classification Scheme 2023. Collection method: clinical testing. Allele origin: germline.
Comment: The c.1327_1330delTTTG pathogenic mutation, located in coding exon 12 of the NF1 gene, results from a deletion of 4 nucleotides at nucleotide positions 1327 to 1330, causing a translational frameshift with a predicted alternate stop codon (p.F443Vfs*29). This variant has been observed in at least one individual with a personal and/or family history that is consistent with Neurofibromatosis type 1 (Ambry internal data). This variant is considered to be rare based on population cohorts in the Genome Aggregation Database (gnomAD). This alteration is expected to result in loss of function by premature protein truncation or nonsense-mediated mRNA decay. As such, this alteration is interpreted as a disease-causing mutation.